The following is an entry in ClinVar:

NM_000051.4(ATM):c.8268+15T>G

Genes: ATM (ATM serine/threonine kinase; plus strand), C11orf65 (chromosome 11 open reading frame 65; minus strand). Cytogenetic location: 11q22.3.
Variant type: single nucleotide variant.
Coding change: c.8268+15T>G on transcript NM_000051.4 (MANE Select); 15 bases into the intron after coding-DNA position 8268, T replaced by G.
Molecular consequence: intron variant.
Genome position (GRCh38, 1-based): chr11:108,335,976, T>G. VCF-style: chr11-108335976-T-G. GRCh37 (hg19) VCF-style: chr11-108206703-T-G.
Other names: c.8268+15T>G (NM_001351834.2); c.641-26905A>C (NM_001330368.2); c.695-684A>C (NM_001351110.2).
Identifiers: ClinVar variation 510629 (VCV000510629.10), dbSNP rs1555128691, ClinGen allele CA658797757.

ClinVar aggregate classification (germline): Likely benign. Review status: criteria provided, multiple submitters, no conflicts (2 of 4 stars). 3 submissions from 3 submitters: Likely benign (3). Last evaluated 2022-05-03.

Conditions:
Hereditary cancer-predisposing syndrome. Also called: Hereditary Cancer Syndrome; Neoplastic Syndromes, Hereditary; Tumor predisposition; Hereditary neoplastic syndrome. Identifiers: Orphanet 140162, MedGen C0027672, MeSH D009386, MONDO:0015356.
Ataxia-telangiectasia syndrome (AT). Also called: Cerebello-oculocutaneous telangiectasia; Immunodeficiency with ataxia telangiectasia; Ataxia-telangiectasia, complementation group E; Ataxia-telangiectasia, complementation group D; AT, COMPLEMENTATION GROUP C; ATAXIA-TELANGIECTASIA, COMPLEMENTATION GROUP A. Identifiers: Orphanet 100, MedGen C0004135, MONDO:0008840, OMIM 208900.

Submissions (3):

Labcorp Genetics (formerly Invitae), Labcorp
Classification: Likely benign for Ataxia-telangiectasia syndrome. Last evaluated: 2022-05-03. Review status: criteria provided, single submitter. Criteria: Invitae Variant Classification Sherloc (09022015). Collection method: clinical testing. Allele origin: germline.

Color Diagnostics, LLC DBA Color Health
Classification: Likely benign for Hereditary cancer-predisposing syndrome. Last evaluated: 2018-10-24. Review status: criteria provided, single submitter. Criteria: ACMG Guidelines, 2015. Collection method: clinical testing. Allele origin: germline.

GeneDx
Classification: Likely benign. Last evaluated: 2017-07-03. Review status: criteria provided, single submitter. Criteria: GeneDx Variant Classification (06012015). Collection method: clinical testing. Allele origin: germline. Affected: yes.
Comment: This variant is considered likely benign or benign based on one or more of the following criteria: it is a conservative change, it occurs at a poorly conserved position in the protein, it is predicted to be benign by multiple in silico algorithms, and/or has population frequency not consistent with disease.